The following is an entry in ClinVar:

ClinVar aggregate classification (germline): Uncertain significance. Review status: criteria provided, multiple submitters, no conflicts (2 of 4 stars). 2 submissions from 2 submitters: Uncertain significance (2). Last evaluated 2024-09-17.

Conditions:
Hereditary cancer-predisposing syndrome. Also called: Hereditary neoplastic syndrome; Neoplastic Syndromes, Hereditary; Tumor predisposition; Hereditary Cancer Syndrome. Identifiers: Orphanet 140162, MedGen C0027672, MeSH D009386, MONDO:0015356.

Submissions (2):

Labcorp Genetics (formerly Invitae), Labcorp
Classification: Uncertain significance. Last evaluated: 2024-09-17. Review status: criteria provided, single submitter. Criteria: Invitae Variant Classification Sherloc (09022015). Collection method: clinical testing. Allele origin: germline.
Comment: This sequence change falls in intron 3 of the NTHL1 gene. It does not directly change the encoded amino acid sequence of the NTHL1 protein. It affects a nucleotide within the consensus splice site. This variant is not present in population databases (gnomAD no frequency). This variant has not been reported in the literature in individuals affected with NTHL1-related conditions. ClinVar contains an entry for this variant (Variation ID: 1006558). Variants that disrupt the consensus splice site are a relatively common cause of aberrant splicing (PMID: 17576681, 9536098). Algorithms developed to predict the effect of sequence changes on RNA splicing suggest that this variant may disrupt the consensus splice site. In summary, the available evidence is currently insufficient to determine the role of this variant in disease. Therefore, it has been classified as a Variant of Uncertain Significance.

Ambry Genetics
Classification: Uncertain significance for Hereditary cancer-predisposing syndrome. Last evaluated: 2020-12-14. Review status: criteria provided, single submitter. Criteria: Ambry Variant Classification Scheme 2023. Collection method: clinical testing. Allele origin: germline.
Comment: The c.549+3G>T intronic variant results from a G to T substitution 3 nucleotides after coding exon 3 in the NTHL1 gene. This nucleotide position is poorly conserved in available vertebrate species. In silico splice site analysis predicts that this alteration may result in the creation or strengthening of a novel splice donor site. Since supporting evidence is limited at this time, the clinical significance of this alteration remains unclear.

Literature cited by the submitters: PubMed 17576681 (cited by Labcorp Genetics (formerly Invitae), Labcorp); PubMed 9536098 (cited by Labcorp Genetics (formerly Invitae), Labcorp).

NM_002528.7(NTHL1):c.525+3G>T

Gene: NTHL1 (nth like DNA glycosylase 1; minus strand). Cytogenetic location: 16p13.3.
Variant type: single nucleotide variant.
Coding change: c.525+3G>T on transcript NM_002528.7 (MANE Select); 3 bases into the intron after coding-DNA position 525, G replaced by T.
Molecular consequence: intron variant.
Genome position (GRCh38, 1-based): chr16:2,044,627, C>A on the plus strand (G>T on the coding strand, the complement: NTHL1 is on the minus strand). VCF-style: chr16-2044627-C-A. GRCh37 (hg19) VCF-style: chr16-2094628-C-A.
Other names: c.195+3G>T (NM_001318194.2); c.355-901G>T (NM_001318193.2).
Identifiers: ClinVar variation 1006558 (VCV001006558.8), dbSNP rs2084315929, ClinGen allele CA2202016080.
Genomic context (GRCh38, chr16:2,044,627, plus strand): 5'-AGCCTTCTGAGGTCTCTCTCAGGCCACTGCCACCCGGCCCCCGTTGCCACAGGCAGGGCT[C>A]ACCCTCCAGAAACCGACGGGGTAGATGAGCTTGCCCAGCGTGGCATCATCTGTCTGCAGG-3'